The following is an entry in ClinVar:

ClinVar aggregate classification (germline): Uncertain significance. Review status: criteria provided, multiple submitters, no conflicts (2 of 4 stars). 4 submissions from 3 submitters: Uncertain significance (4). Last evaluated 2025-11-16.

Conditions:
Ectopia lentis et pupillae. Also called: ECTOPIA LENTIS WITH ECTOPIA OF PUPIL. Identifiers: Orphanet 1885, MedGen C1644196, MONDO:0009153, OMIM 225200.
Ectopia lentis 2, isolated, autosomal recessive (ECTOL2). Identifiers: Orphanet 1885, MedGen C3541474, MONDO:0009152, OMIM 225100.
Inborn genetic diseases. Identifiers: MedGen C0950123, MeSH D030342.

Allele frequency attached by ClinVar (database versions not stated): gnomAD 0.00003; gnomAD exomes 0.00003; ExAC 0.00009; 1000 Genomes Project 30x 0.00062; 1000 Genomes Project 0.00080.

Submissions (4):

Labcorp Genetics (formerly Invitae), Labcorp
Classification: Uncertain significance. Last evaluated: 2025-11-16. Review status: criteria provided, single submitter. Criteria: Invitae Variant Classification Sherloc (09022015). Collection method: clinical testing. Allele origin: germline.
Comment: This sequence change replaces proline, which is neutral and non-polar, with serine, which is neutral and polar, at codon 199 of the ADAMTSL4 protein (p.Pro199Ser). This variant is present in population databases (rs373288356, gnomAD 0.06%). This variant has not been reported in the literature in individuals affected with ADAMTSL4-related conditions. ClinVar contains an entry for this variant (Variation ID: 2077407). Invitae Evidence Modeling of protein sequence and biophysical properties (such as structural, functional, and spatial information, amino acid conservation, physicochemical variation, residue mobility, and thermodynamic stability) indicates that this missense variant is not expected to disrupt ADAMTSL4 protein function with a negative predictive value of 80%. In summary, the available evidence is currently insufficient to determine the role of this variant in disease. Therefore, it has been classified as a Variant of Uncertain Significance.

Ambry Genetics
Classification: Uncertain significance for Inborn genetic diseases. Last evaluated: 2024-07-05. Review status: criteria provided, single submitter. Criteria: Ambry Variant Classification Scheme 2023. Collection method: clinical testing. Allele origin: germline.

Genome-Nilou Lab
Classification: Uncertain significance for Ectopia lentis et pupillae. Last evaluated: 2023-04-11. Review status: criteria provided, single submitter. Criteria: ACMG Guidelines, 2015. Collection method: clinical testing. Allele origin: germline. Affected: no.

Genome-Nilou Lab
Classification: Uncertain significance for Ectopia lentis 2, isolated, autosomal recessive. Last evaluated: 2023-04-11. Review status: criteria provided, single submitter. Criteria: ACMG Guidelines, 2015. Collection method: clinical testing. Allele origin: germline. Affected: no.

NM_019032.6(ADAMTSL4):c.595C>T (p.Pro199Ser)

Genes: ADAMTSL4 (ADAMTS like 4; plus strand), ADAMTSL4-AS2 (ADAMTSL4 antisense RNA 2; minus strand). Cytogenetic location: 1q21.2.
Variant type: single nucleotide variant.
Coding change: c.595C>T on transcript NM_019032.6 (MANE Select); coding-DNA position 595, C replaced by T.
Protein change: p.Pro199Ser; replaces proline 199 with serine.
Molecular consequence: missense variant.
Genome position (GRCh38, 1-based): chr1:150,553,586, C>T. VCF-style: chr1-150553586-C-T. GRCh37 (hg19) VCF-style: chr1-150526062-C-T.
Other names: c.595C>T, p.Pro199Ser (NM_001288607.2, NM_001288608.2, NM_001378596.1 and 1 more transcripts); short protein forms P199S.
Identifiers: ClinVar variation 2077407 (VCV002077407.5), dbSNP rs373288356, ClinGen allele CA1077996.
Genomic context (GRCh38, chr1:150,553,586, plus strand): 5'-CCCAGATCTGAGCTGTCCCTGATCTCTTCTAGAGGGGAAGAGGCTATTCCGTCCCCTACT[C>T]CAAGAGCAGAGCCATTCTCCGCAAACGGCAGCCCCCAAACTGAGCTCCCTCCCACAGAAC-3'
Protein context (NP_061905.2, residues 189-209): RGEEAIPSPT[Pro199Ser]RAEPFSANGS